The following is an entry in ClinVar:

NM_001142966.3(GREB1L):c.4775A>T (p.Asn1592Ile)

Gene: GREB1L (GREB1 like retinoic acid receptor coactivator; plus strand). Cytogenetic location: 18q11.2.
Variant type: single nucleotide variant.
Coding change: c.4775A>T on transcript NM_001142966.3 (MANE Select); coding-DNA position 4775, A replaced by T.
Protein change: p.Asn1592Ile; replaces asparagine 1592 with isoleucine.
Molecular consequence: missense variant.
Genome position (GRCh38, 1-based): chr18:21,513,860, A>T. VCF-style: chr18-21513860-A-T. GRCh37 (hg19) VCF-style: chr18-19093821-A-T.
Other names: c.4904A>T, p.Asn1635Ile (NM_001410867.1); c.4448A>T, p.Asn1483Ile (NM_001410868.1); short protein forms N1483I, N1592I, N1635I.
Identifiers: ClinVar variation 3383764 (VCV003383764.1).

ClinVar aggregate classification (germline): Uncertain significance (1 of 4 stars; one submission).

gnomAD v4.1: 2 of 1,551,606 alleles (0.00013%); highest among the groups gnomAD compares: South Asian, 0.0024%; no homozygotes.

Submission:

GeneDx
Classification: Uncertain significance. Last evaluated: 2024-05-31. Review status: criteria provided, single submitter. Criteria: GeneDx Variant Classification Process June 2021. Collection method: clinical testing. Allele origin: germline. Affected: yes.
Comment: In silico analysis supports that this missense variant has a deleterious effect on protein structure/function; Has not been previously published as pathogenic or benign to our knowledge